The following is an entry in ClinVar:

ClinVar aggregate classification (germline): Uncertain significance (1 of 4 stars; one submission).

Conditions:
Insulin-dependent diabetes mellitus secretory diarrhea syndrome (IPEX). Also called: Immunodeficiency, Polyendocrinopathy, and Enteropathy X-Linked Syndrome; X-Linked Syndrome of Polyendocrinopathy, Immune Dysfunction, and Diarrhea; Immunodysregulation, polyendocrinopathy, and enteropathy, X-linked; X-Linked Autoimmunity-Allergic Dysregulation Syndrome; IPEX and IPEX-Like; ENTEROPATHY, AUTOIMMUNE, WITH HEMOLYTIC ANEMIA AND POLYENDOCRINOPATHY. Identifiers: Orphanet 37042, MedGen C0342288, MONDO:0010580, OMIM 304790. Disease mechanism: loss of function.

Allele frequency attached by ClinVar (database versions not stated): gnomAD exomes below 0.00001.
gnomAD v4.1: 1 of 1,210,202 alleles (0.000083%); highest among the groups gnomAD compares: Non-Finnish European, 0.00011%; no homozygotes.

Submission:

Baylor Genetics
Classification: Uncertain significance for Insulin-dependent diabetes mellitus secretory diarrhea syndrome. Last evaluated: 2018-03-16. Review status: criteria provided, single submitter. Criteria: ACMG Guidelines, 2015. Collection method: clinical testing. Allele origin: unknown. Affected: yes.
Comment: This variant was determined to be of uncertain significance according to ACMG Guidelines, 2015 [PMID:25741868].

NM_014009.4(FOXP3):c.543-3C>T

Gene: FOXP3 (forkhead box P3; minus strand). Cytogenetic location: Xp11.23.
Variant type: single nucleotide variant.
Coding change: c.543-3C>T on transcript NM_014009.4 (MANE Select); 3 bases into the intron before coding-DNA position 543, C replaced by T.
Molecular consequence: intron variant.
Genome position (GRCh38, 1-based): chrX:49,256,858, G>A on the plus strand (C>T on the coding strand, the complement: FOXP3 is on the minus strand). VCF-style: chrX-49256858-G-A. GRCh37 (hg19) VCF-style: chrX-49113315-G-A.
Other names: c.438-3C>T (NM_001114377.2).
Identifiers: ClinVar variation 1032587 (VCV001032587.1), dbSNP rs1557116438, ClinGen allele CA2428553145.